The following is an entry in ClinVar:

ClinVar aggregate classification (germline): Uncertain significance (0 of 4 stars; one submission).

Conditions:
INPP5E-related disorder. Also called: INPP5E-related condition.

gnomAD v4.1: 12 of 1,598,108 alleles (0.00075%); highest among the groups gnomAD compares: South Asian, 0.0011%; no homozygotes.

Submission:

PreventionGenetics, part of Exact Sciences
Classification: Uncertain significance for INPP5E-related condition. Last evaluated: 2024-01-31. Review status: no assertion criteria provided. Collection method: clinical testing. Allele origin: germline.
Comment: The INPP5E c.1121C>T variant is predicted to result in the amino acid substitution p.Ser374Leu. This variant has been reported as homozygous in a deceased patient with Joubert syndrome (patient UW068-3, Table S2, Dempsey et al. 2017. PubMed ID: 28371402). This variant is reported in 0.0018% of alleles in individuals of European (Non-Finnish) descent in gnomAD. At this time, the clinical significance of this variant is uncertain due to the absence of conclusive functional and genetic evidence.

NM_019892.6(INPP5E):c.1121C>T (p.Ser374Leu)

Gene: INPP5E (inositol polyphosphate-5-phosphatase E; minus strand). Cytogenetic location: 9q34.3.
Variant type: single nucleotide variant.
Coding change: c.1121C>T on transcript NM_019892.6 (MANE Select); coding-DNA position 1121, C replaced by T.
Protein change: p.Ser374Leu; replaces serine 374 with leucine.
Molecular consequence: missense variant.
Genome position (GRCh38, 1-based): chr9:136,433,193, G>A on the plus strand (C>T on the coding strand, the complement: INPP5E is on the minus strand). VCF-style: chr9-136433193-G-A. GRCh37 (hg19) VCF-style: chr9-139327645-G-A.
Other names: c.1121C>T, p.Ser374Leu (NM_001318502.2); short protein forms S374L.
Identifiers: ClinVar variation 3348130 (VCV003348130.1).